The following is an entry in ClinVar:

ClinVar aggregate classification (germline): Uncertain significance (1 of 4 stars; one submission).

Conditions:
X-linked distal spinal muscular atrophy type 3. Also called: SPINAL MUSCULAR ATROPHY, DISTAL, X-LINKED RECESSIVE; NEURONOPATHY, DISTAL HEREDITARY MOTOR, X-LINKED; NEUROPATHY, DISTAL HEREDITARY MOTOR, X-LINKED; ATP7A-Related Distal Motor Neuropathy. Identifiers: Orphanet 139557, MedGen C1845359, MONDO:0010338, OMIM 300489.
Menkes kinky-hair syndrome (MNK). Also called: Copper transport disease; Classic Menkes Disease; Menkes Disease. Identifiers: Orphanet 565, MedGen C0022716, MONDO:0010651, OMIM 309400.
Cutis laxa, X-linked (OHS). Also called: EDS IX; Occipital horn syndrome. Identifiers: Orphanet 198, MedGen C0268353, MONDO:0010572, OMIM 304150.

Submission:

Labcorp Genetics (formerly Invitae), Labcorp
Classification: Uncertain significance for X-linked distal spinal muscular atrophy type 3; Cutis laxa, X-linked; Menkes kinky-hair syndrome. Last evaluated: 2022-08-15. Review status: criteria provided, single submitter. Criteria: Invitae Variant Classification Sherloc (09022015). Collection method: clinical testing. Allele origin: germline.
Comment: This variant has not been reported in the literature in individuals affected with ATP7A-related conditions. This sequence change replaces valine, which is neutral and non-polar, with isoleucine, which is neutral and non-polar, at codon 23 of the ATP7A protein (p.Val23Ile). This variant is not present in population databases (gnomAD no frequency). Algorithms developed to predict the effect of missense changes on protein structure and function are either unavailable or do not agree on the potential impact of this missense change (SIFT: "Deleterious"; PolyPhen-2: "Probably Damaging"; Align-GVGD: "Class C0"). In summary, the available evidence is currently insufficient to determine the role of this variant in disease. Therefore, it has been classified as a Variant of Uncertain Significance.

NM_000052.7(ATP7A):c.67G>A (p.Val23Ile)

Gene: ATP7A (ATPase copper transporting alpha; plus strand). Cytogenetic location: Xq21.1.
Variant type: single nucleotide variant.
Coding change: c.67G>A on transcript NM_000052.7 (MANE Select); coding-DNA position 67, G replaced by A.
Protein change: p.Val23Ile; replaces valine 23 with isoleucine.
Molecular consequence: missense variant. On other transcripts: non-coding transcript variant (1).
Genome position (GRCh38, 1-based): chrX:77,971,708, G>A. VCF-style: chrX-77971708-G-A. GRCh37 (hg19) VCF-style: chrX-77227205-G-A.
Other names: c.67G>A, p.Val23Ile (NM_001282224.2); short protein forms V23I.
Identifiers: ClinVar variation 1716425 (VCV001716425.6), dbSNP rs2522252336, ClinGen allele CA413597748.